The following is an entry in ClinVar:

ClinVar aggregate classification (germline): Uncertain significance. Review status: criteria provided, multiple submitters, no conflicts (2 of 4 stars). 2 submissions from 2 submitters: Uncertain significance (2). Last evaluated 2025-06-29.

Allele frequency attached by ClinVar (database versions not stated): gnomAD 0.00002.
gnomAD v4.1: 7 of 1,613,446 alleles (0.00043%); highest among the groups gnomAD compares: African/African-American, 0.0053%; no homozygotes.

Submissions (2):

Ambry Genetics
Classification: Uncertain significance. Last evaluated: 2025-06-29. Review status: criteria provided, single submitter. Criteria: Ambry Variant Classification Scheme 2023. Collection method: clinical testing. Allele origin: germline.

Women's Health and Genetics/Laboratory Corporation of America, LabCorp
Classification: Uncertain significance. Last evaluated: 2024-02-14. Review status: criteria provided, single submitter. Criteria: LabCorp Variant Classification Summary - May 2015. Collection method: clinical testing. Allele origin: germline.
Comment: Variant summary: ROBO4 c.681G>T (p.Glu227Asp) results in a conservative amino acid change in the encoded protein sequence. Three of four in-silico tools predict a benign effect of the variant on protein function. In addition this variant is located close to a splice-site (i.e. affects the second nucleotide of exon 5), therefore might affect splicing: consensus agreement among computation tools predict no significant impact on normal splicing. However, these predictions have yet to be confirmed by functional studies. The variant allele was found at a frequency of 4.4e-06 in 1606678 control chromosomes (gnomAD v4). The available data on variant occurrences in the general population are insufficient to allow any conclusion about variant significance. To our knowledge, no occurrence of c.681G>T in individuals affected with Aortic Valve Disease 3 and no experimental evidence demonstrating its impact on protein function have been reported. No submitters have cited clinical-significance assessments for this variant to ClinVar. Based on the evidence outlined above, the variant was classified as uncertain significance.

NM_019055.6(ROBO4):c.681G>T (p.Glu227Asp)

Gene: ROBO4 (roundabout guidance receptor 4; minus strand). Cytogenetic location: 11q24.2.
Variant type: single nucleotide variant.
Coding change: c.681G>T on transcript NM_019055.6 (MANE Select); coding-DNA position 681, G replaced by T.
Protein change: p.Glu227Asp; replaces glutamic acid 227 with aspartic acid.
Molecular consequence: missense variant.
Genome position (GRCh38, 1-based): chr11:124,895,911, C>A on the plus strand (G>T on the coding strand, the complement: ROBO4 is on the minus strand). VCF-style: chr11-124895911-C-A. GRCh37 (hg19) VCF-style: chr11-124765807-C-A.
Other names: c.246G>T, p.Glu82Asp (NM_001301088.2); c.681G>T (NM_019055.5); short protein forms E227D, E82D.
Identifiers: ClinVar variation 3069132 (VCV003069132.3), dbSNP rs955898432, ClinGen allele CA230411685.